The following is an entry in ClinVar:

NM_001481.3(DRC4):c.925-1G>T

Gene: DRC4 (dynein regulatory complex subunit 4; plus strand). Cytogenetic location: 16q24.3.
Variant type: single nucleotide variant.
Coding change: c.925-1G>T on transcript NM_001481.3 (MANE Select); the canonical splice acceptor site of the intron before coding-DNA position 925, G replaced by T.
Molecular consequence: splice acceptor variant.
Genome position (GRCh38, 1-based): chr16:90,037,761, G>T. VCF-style: chr16-90037761-G-T. GRCh37 (hg19) VCF-style: chr16-90104169-G-T.
Other names: c.850-1G>T (NM_001286209.2); c.676-1G>T (NM_001286205.2); c.349-1G>T (NM_001286208.2).
Identifiers: ClinVar variation 4997506 (VCV004997506.1).

ClinVar aggregate classification (germline): Uncertain significance (1 of 4 stars; one submission).

Conditions:
DRC4-related condition.

gnomAD v4.1: 2 of 1,613,936 alleles (0.00012%); highest among the groups gnomAD compares: Non-Finnish European, 0.00017%; no homozygotes.

Submission:

PreventionGenetics, part of Exact Sciences
Classification: Uncertain significance for DRC4-related condition. Last evaluated: 2025-05-30. Review status: criteria provided, single submitter. Criteria: ACMG Guidelines, 2015. Collection method: clinical testing. Allele origin: germline.
Comment: The DRC4 c.925-1G>T variant is predicted to disrupt the AG splice acceptor site and interfere with normal splicing. To our knowledge, this variant has not been reported in the literature or in a large population database (gnomAD), indicating this variant is rare. Although we suspect that this variant may be pathogenic, at this time, the clinical significance of this variant is uncertain due to the absence of conclusive functional and genetic evidence.